The following is an entry in ClinVar:

NM_000051.4(ATM):c.6543G>A (p.Glu2181=)

Genes: ATM (ATM serine/threonine kinase; plus strand), C11orf65 (chromosome 11 open reading frame 65; minus strand). Cytogenetic location: 11q22.3.
Variant type: single nucleotide variant.
Coding change: c.6543G>A on transcript NM_000051.4 (MANE Select); coding-DNA position 6543, G replaced by A.
Protein change: p.Glu2181=; no amino-acid change (glutamic acid 2181 retained).
Molecular consequence: synonymous variant. On other transcripts: intron variant (2).
Genome position (GRCh38, 1-based): chr11:108,321,391, G>A. VCF-style: chr11-108321391-G-A. GRCh37 (hg19) VCF-style: chr11-108192118-G-A.
Other names: c.6543G>A, p.Glu2181= (NM_001351834.2); c.641-12320C>T (NM_001330368.2); c.*39-12320C>T (NM_001351110.2).
Identifiers: ClinVar variation 3254203 (VCV003254203.1), dbSNP rs138828590.

ClinVar aggregate classification (germline): Benign (1 of 4 stars; one submission).

Conditions:
Familial cancer of breast. Also called: hereditary breast carcinoma; BREAST CANCER, FAMILIAL; Hereditary breast cancer. Identifiers: Orphanet 227535, MedGen C0346153, MONDO:0016419, OMIM 114480. Disease mechanism: loss of function.

Submission:

Myriad Genetics, Inc.
Classification: Benign for Familial cancer of breast. Last evaluated: 2024-06-06. Review status: criteria provided, single submitter. Criteria: Myriad Autosomal Dominant, Autosomal Recessive and X-Linked Classification Criteria (2023). Collection method: clinical testing. Allele origin: unknown.
Comment: This variant is considered benign. This variant is a silent/synonymous amino acid change and it is not expected to impact splicing.